The following is an entry in ClinVar:

ClinVar aggregate classification (germline): Pathogenic. Review status: reviewed by expert panel (3 of 4 stars). 2 submissions from 2 submitters: Pathogenic (1). 1 of the submissions does not count toward it. Last evaluated 2016-09-08.

Conditions:
Breast-ovarian cancer, familial, susceptibility to, 1 (BROVCA1). Also called: BRCA1 Hereditary Breast and Ovarian Cancer; OVARIAN CANCER, SUSCEPTIBILITY TO. Identifiers: Orphanet 145, MedGen C2676676, MONDO:0011450, OMIM 604370. Disease mechanism: loss of function.

Submissions (2):

Evidence-based Network for the Interpretation of Germline Mutant Alleles (ENIGMA)
Classification: Pathogenic for Breast-ovarian cancer, familial, susceptibility to, 1. Last evaluated: 2016-09-08. Review status: reviewed by expert panel. Criteria: ENIGMA BRCA1/2 Classification Criteria (2015). Collection method: curation. Allele origin: germline.
Comment: Variant allele predicted to encode a truncated non-functional protein.

Breast Cancer Information Core (BIC) (BRCA1)
Classification: Pathogenic for Breast-ovarian cancer, familial 1. Last evaluated: 2004-02-20. Review status: no assertion criteria provided. Collection method: clinical testing. Allele origin: germline. Affected: yes. Observed: 1 variant allele. Not counted in ClinVar's aggregate classification.

NM_007294.4(BRCA1):c.2871_2872insA (p.Phe958fs)

Gene: BRCA1 (BRCA1 DNA repair associated; minus strand). Cytogenetic location: 17q21.31.
Variant type: Insertion.
Coding change: c.2871_2872insA on transcript NM_007294.4 (MANE Select); coding-DNA positions 2871 to 2872, A inserted.
Protein change: p.Phe958fs; shifts the reading frame from phenylalanine 958.
Molecular consequence: frameshift variant. On other transcripts: intron variant (137).
Genome position: GRCh38 VCF-style: chr17-43092659-A-AT. GRCh37 (hg19) VCF-style: chr17-41244676-A-AT.
Other names: 2990insA; c.2748_2749insA, p.Phe917fs (NM_001407667.1, NM_001407668.1, NM_001407679.1 and 19 more transcripts); c.2871_2872insA, p.Phe958fs (NM_001407684.1, NM_007300.4, NM_001407581.1 and 30 more transcripts); c.2745_2746insA, p.Phe916fs (NM_001407685.1, NM_001407686.1, NM_001407940.1 and 11 more transcripts); c.2730_2731insA, p.Phe911fs (NM_001407698.1, NM_001407724.1, NM_001407725.1 and 29 more transcripts); c.2727_2728insA, p.Phe910fs (NM_001407741.1, NM_001407742.1, NM_001407743.1 and 20 more transcripts); c.2661_2662insA, p.Phe888fs (NM_001407879.1, NM_001407881.1, NM_001407882.1 and 13 more transcripts); c.2658_2659insA, p.Phe887fs (NM_001407915.1, NM_001407916.1, NM_001407917.1 and 9 more transcripts); and 42 more; short protein forms F911fs, F958fs, F662fs, F846fs, F910fs, F830fs, F847fs, F887fs.
Identifiers: ClinVar variation 125594 (VCV000125594.3), dbSNP rs80357693, ClinGen allele CA001872.